The following is an entry in ClinVar:

NM_006371.5(CRTAP):c.92A>G (p.Tyr31Cys)

Gene: CRTAP (cartilage associated protein; plus strand). Cytogenetic location: 3p22.3.
Variant type: single nucleotide variant.
Coding change: c.92A>G on transcript NM_006371.5 (MANE Select); coding-DNA position 92, A replaced by G.
Protein change: p.Tyr31Cys; replaces tyrosine 31 with cysteine.
Molecular consequence: missense variant.
Genome position (GRCh38, 1-based): chr3:33,114,169, A>G. VCF-style: chr3-33114169-A-G. GRCh37 (hg19) VCF-style: chr3-33155661-A-G.
Other names: c.92A>G, p.Tyr31Cys (NM_001393363.1, NM_001393364.1, NM_001393365.1); short protein forms Y31C.
Identifiers: ClinVar variation 534207 (VCV000534207.4), dbSNP rs372115693, ClinGen allele CA2300192.
Genomic context (GRCh38, chr3:33,114,169, plus strand): 5'-TGCTAGCGCTGCTGTGCGTGGCCTGCGCGCTGCGCGCCGGGCGCGCCCAATACGAACGCT[A>G]CAGCTTCCGCAGCTTCCCACGGGACGAGCTGATGCCGCTCGAGTCGGCCTACCGGCACGC-3'
Protein context (NP_006362.1, residues 21-41): LRAGRAQYER[Tyr31Cys]SFRSFPRDEL

ClinVar aggregate classification (germline): Uncertain significance (1 of 4 stars; one submission).

Conditions:
Osteogenesis imperfecta type 7 (OI7). Also called: OSTEOGENESIS IMPERFECTA, TYPE IIB; Osteogenesis imperfecta type 2B; OI type 2B; Osteogenesis imperfecta, perinatal lethal autosomal recessive; OI type IIB; OI type 7. Identifiers: MedGen C1853162, MONDO:0012536, OMIM 610682.

Allele frequency attached by ClinVar (database versions not stated): gnomAD exomes below 0.00001 and 0.00001; ExAC 0.00001; gnomAD 0.00001; ESP Exome Variant Server 0.00008.
gnomAD v4.1: 19 of 1,590,358 alleles (0.0012%); highest among the groups gnomAD compares: Non-Finnish European, 0.0015%; no homozygotes.

Submission:

Labcorp Genetics (formerly Invitae), Labcorp
Classification: Uncertain significance for Osteogenesis imperfecta type 7. Last evaluated: 2017-11-05. Review status: criteria provided, single submitter. Criteria: Invitae Variant Classification Sherloc (09022015). Collection method: clinical testing. Allele origin: germline.
Comment: This sequence change replaces tyrosine with cysteine at codon 31 of the CRTAP protein (p.Tyr31Cys). The tyrosine residue is highly conserved and there is a large physicochemical difference between tyrosine and cysteine. This variant is present in population databases (rs372115693, ExAC 0.002%). This variant has not been reported in the literature in individuals with CRTAP-related disease. Algorithms developed to predict the effect of missense changes on protein structure and function do not agree on the potential impact of this missense change (SIFT: "Deleterious"; PolyPhen-2: "Probably Damaging"; Align-GVGD: "Class C0"). In summary, the available evidence is currently insufficient to determine the role of this variant in disease. Therefore, it has been classified as a Variant of Uncertain Significance.